The following is an entry in ClinVar:

ClinVar aggregate classification (germline): Uncertain significance (1 of 4 stars; one submission).

Conditions:
LEMD3-related disorder. Also called: LEMD3-related condition.

gnomAD v4.1: 2 of 1,605,502 alleles (0.00012%); highest among the groups gnomAD compares: African/African-American, 0.0027%; no homozygotes.

Submission:

PreventionGenetics, part of Exact Sciences
Classification: Uncertain significance for LEMD3-related condition. Last evaluated: 2024-11-08. Review status: criteria provided, single submitter. Criteria: ACMG Guidelines, 2015. Collection method: clinical testing. Allele origin: germline.
Comment: The LEMD3 c.1645A>T variant is predicted to result in the amino acid substitution p.Ser549Cys. To our knowledge, this variant has not been reported in the literature or in a large population database (gnomAD), indicating this variant is rare. At this time, the clinical significance of this variant is uncertain due to the absence of conclusive functional and genetic evidence.

NM_014319.5(LEMD3):c.1645A>T (p.Ser549Cys)

Gene: LEMD3 (LEM domain containing 3; plus strand). Cytogenetic location: 12q14.3.
Variant type: single nucleotide variant.
Coding change: c.1645A>T on transcript NM_014319.5 (MANE Select); coding-DNA position 1645, A replaced by T.
Protein change: p.Ser549Cys; replaces serine 549 with cysteine.
Molecular consequence: missense variant.
Genome position (GRCh38, 1-based): chr12:65,218,569, A>T. VCF-style: chr12-65218569-A-T. GRCh37 (hg19) VCF-style: chr12-65612349-A-T.
Other names: c.1642A>T, p.Ser548Cys (NM_001167614.2); short protein forms S548C, S549C.
Identifiers: ClinVar variation 5000552 (VCV005000552.1).
Genomic context (GRCh38, chr12:65,218,569, plus strand): 5'-AGAGAGTACTGATTCAAAATTAATAATATGCTAATCTTTCCAGGAGATCATGAATGTGGC[A>T]GTTCTAGTCAAAGAACGCTTTCTGTTCAAGAGGCAGCTGCGTATTTAAAAGTAAGCAATG-3'
Protein context (NP_055134.2, residues 539-559): AQLAGDHECG[Ser549Cys]SSQRTLSVQE